The following is an entry in ClinVar:

ClinVar aggregate classification (germline): Uncertain significance (1 of 4 stars; one submission).

Conditions:
Hereditary pancreatitis (PCTT). Also called: Hereditary chronic pancreatitis; PRSS1-Related Hereditary Pancreatitis. Identifiers: Orphanet 676, MedGen C0238339, MONDO:0008185, OMIM 167800.

Submission:

Department of Human Genetics, Hannover Medical School
Classification: Uncertain significance for Hereditary pancreatitis. Review status: criteria provided, single submitter. Criteria: ACMG Guidelines, 2015. Collection method: clinical testing. Allele origin: germline. Affected: yes.
Comment: This missense variant affects an evolutionarily highly conserved amino acid. There is a large physicochemical difference between the original (tyrosine) and the newly formed amino acid (cysteine). An in silico analysis of this change suggests that it could be a pathogenic variant. The variant is not yet known in the ClinVar and LOVD variant databases or in the literature. It is also not listed in the population database gnomAD. There is currently too little data available for a conclusive assessment with regard to clinical relevance.

NM_001868.4(CPA1):c.1124A>G (p.Tyr375Cys)

Gene: CPA1 (carboxypeptidase A1; plus strand). Cytogenetic location: 7q32.2.
Variant type: single nucleotide variant.
Coding change: c.1124A>G on transcript NM_001868.4 (MANE Select); coding-DNA position 1124, A replaced by G.
Protein change: p.Tyr375Cys; replaces tyrosine 375 with cysteine.
Molecular consequence: missense variant.
Genome position (GRCh38, 1-based): chr7:130,387,875, A>G. VCF-style: chr7-130387875-A-G. GRCh37 (hg19) VCF-style: chr7-130027716-A-G.
Other names: short protein forms Y375C.
Identifiers: ClinVar variation 1803722 (VCV001803722.1), dbSNP rs2536015302, ClinGen allele CA369284289.